The following is an entry in ClinVar:

ClinVar aggregate classification (germline): Uncertain significance (1 of 4 stars; one submission).

Conditions:
Gastrointestinal stromal tumor. Also called: Gastrointestinal stromal tumor, somatic; Gastrointestinal stroma tumor. Identifiers: Orphanet 44890, MedGen C0238198, MeSH D046152, MONDO:0011719, OMIM 606764, HP:0100723.
Pheochromocytoma/paraganglioma syndrome 3. Also called: GLOMUS TUMORS, FAMILIAL, 3; Paragangliomas 3; SDHC-Related Hereditary Paraganglioma-Pheochromocytoma Syndrome (Paragangliomas 3); SDHC-Related Hereditary Paraganglioma-Pheochromocytoma Syndrome. Identifiers: Orphanet 29072, MedGen C1854336, MONDO:0011544, OMIM 605373.

Submission:

Labcorp Genetics (formerly Invitae), Labcorp
Classification: Uncertain significance for Pheochromocytoma/paraganglioma syndrome 3; Gastrointestinal stromal tumor. Last evaluated: 2024-02-13. Review status: criteria provided, single submitter. Criteria: Invitae Variant Classification Sherloc (09022015). Collection method: clinical testing. Allele origin: germline.
Comment: This variant, c.108_110del, results in the deletion of 1 amino acid(s) of the SDHC protein (p.Glu37del), but otherwise preserves the integrity of the reading frame. This variant is not present in population databases (gnomAD no frequency). This variant has not been reported in the literature in individuals affected with SDHC-related conditions. Experimental studies and prediction algorithms are not available or were not evaluated, and the functional significance of this variant is currently unknown. In summary, the available evidence is currently insufficient to determine the role of this variant in disease. Therefore, it has been classified as a Variant of Uncertain Significance.

NM_003001.5(SDHC):c.105AGA[1] (p.Glu37del)

Gene: SDHC (succinate dehydrogenase complex subunit C; plus strand). Cytogenetic location: 1q23.3.
Variant type: Microsatellite.
Coding change: c.105AGA[1] on transcript NM_003001.5 (MANE Select); one copy of the 3-base unit AGA starting at c.105; the reference has two copies in a row; one copy, 3 bases deleted.
Protein change: p.Glu37del; deletes glutamic acid 37.
Molecular consequence: inframe deletion. On other transcripts: 5 prime UTR variant (2), non-coding transcript variant (1), intron variant (4).
Genome position (GRCh38, 1-based): chr1:161,328,426-161,328,428, AGA deleted; deleting any 3 consecutive bases within chr1:161,328,422-161,328,428 gives the same sequence; the position shown is the placement nearest the transcript's 3' end. VCF-style (leftmost placement, unchanged base first): chr1-161328421-AAAG-A. GRCh37 (hg19) VCF-style: chr1-161298211-AAAG-A.
Other names: c.105AGA[1], p.Glu37del (NM_001035511.3, NM_001407115.1); c.48AGA[1], p.Glu18del (NM_001407116.1, NM_001407117.1, NM_001407121.1); c.-7AGA[1] (NM_001407119.1, NM_001407120.1); c.77+4756_77+4758del (NM_001035512.3, NM_001278172.3, NM_001407118.1); c.21-12168_21-12166del (NM_001035513.3); short protein forms E18del, E37del.
Identifiers: ClinVar variation 3751432 (VCV003751432.2).